The following is an entry in ClinVar:

NM_001243133.2(NLRP3):c.2680C>T (p.Leu894Phe)

Gene: NLRP3 (NLR family pyrin domain containing 3; plus strand). Cytogenetic location: 1q44.
Variant type: single nucleotide variant.
Coding change: c.2680C>T on transcript NM_001243133.2 (MANE Select); coding-DNA position 2680, C replaced by T.
Protein change: p.Leu894Phe; replaces leucine 894 with phenylalanine.
Molecular consequence: missense variant.
Genome position (GRCh38, 1-based): chr1:247,443,988, C>T. VCF-style: chr1-247443988-C-T. GRCh37 (hg19) VCF-style: chr1-247607290-C-T.
Other names: c.2680C>T, p.Leu894Phe (NM_001079821.3); c.2509C>T, p.Leu837Phe (NM_001127461.3, NM_001127462.3); c.2686C>T, p.Leu896Phe (NM_004895.5); c.2338C>T, p.Leu780Phe (NM_183395.3); short protein forms L780F, L837F, L894F, L896F.
Identifiers: ClinVar variation 1051337 (VCV001051337.11), dbSNP rs1157282902, ClinGen allele CA345564766.

ClinVar aggregate classification (germline): Uncertain significance. Review status: criteria provided, multiple submitters, no conflicts (2 of 4 stars). 2 submissions from 2 submitters: Uncertain significance (2). Last evaluated 2024-05-14.

Conditions:
Keratitis fugax hereditaria. Also called: KERATOENDOTHELIITIS FUGAX HEREDITARIA. Identifiers: Orphanet 647815, MedGen C1835697, MONDO:0007849, OMIM 148200.
Chronic infantile neurological, cutaneous and articular syndrome (CINCA). Also called: Prieur Griscelli syndrome; CRYOPYRIN-ASSOCIATED PERIODIC SYNDROME 3; CHRONIC NEUROLOGIC CUTANEOUS AND ARTICULAR SYNDROME; CINCA syndrome. Identifiers: Orphanet 1451, MedGen C0409818, MONDO:0011776, OMIM 607115.
Hearing loss, autosomal dominant 34, with or without inflammation. Also called: DEAFNESS, AUTOSOMAL DOMINANT 34, WITH OR WITHOUT INFLAMMATION. Identifiers: MedGen C4521680, MONDO:0033261, OMIM 617772.
Familial amyloid nephropathy with urticaria AND deafness (MWS). Also called: Urticaria, deafness and amyloidosis; CRYOPYRIN-ASSOCIATED PERIODIC SYNDROME 2; UDA SYNDROME; URTICARIA-DEAFNESS-AMYLOIDOSIS SYNDROME; MUCKLE-WELLS SYNDROME. Identifiers: Orphanet 575, MedGen C0268390, MONDO:0008633, OMIM 191900.
Familial cold autoinflammatory syndrome 1 (FCAS1). Also called: CRYOPYRIN-ASSOCIATED PERIODIC SYNDROME 1; Familial cold inflammatory syndrome 1. Identifiers: Orphanet 47045, MedGen C4551895, MONDO:0007349, OMIM 120100.
Cryopyrin associated periodic syndrome (CAPS). Identifiers: Orphanet 208650, MedGen C2316212, MONDO:0016168.

Allele frequency attached by ClinVar (database versions not stated): gnomAD 0.00001; TOPMed 0.00002.
gnomAD v4.1: 2 of 1,614,006 alleles (0.00012%); highest among the groups gnomAD compares: African/African-American, 0.0027%; no homozygotes.

Submissions (2):

Fulgent Genetics
Classification: Uncertain significance for Familial cold autoinflammatory syndrome 1; Keratitis fugax hereditaria; Familial amyloid nephropathy with urticaria AND deafness; Chronic infantile neurological, cutaneous and articular syndrome; Hearing loss, autosomal dominant 34, with or without inflammation. Last evaluated: 2024-05-14. Review status: criteria provided, single submitter. Criteria: ACMG Guidelines, 2015. Collection method: clinical testing. Allele origin: germline.

Labcorp Genetics (formerly Invitae), Labcorp
Classification: Uncertain significance for Cryopyrin associated periodic syndrome. Last evaluated: 2020-05-27. Review status: criteria provided, single submitter. Criteria: Invitae Variant Classification Sherloc (09022015). Collection method: clinical testing. Allele origin: germline.
Comment: This sequence change replaces leucine with phenylalanine at codon 896 of the NLRP3 protein (p.Leu896Phe). The leucine residue is moderately conserved and there is a small physicochemical difference between leucine and phenylalanine. This variant is not present in population databases (ExAC no frequency). This variant has not been reported in the literature in individuals with NLRP3-related conditions. Algorithms developed to predict the effect of missense changes on protein structure and function are either unavailable or do not agree on the potential impact of this missense change (SIFT: "Tolerated"; PolyPhen-2: "Probably Damaging"; Align-GVGD: "Class C0"). In summary, the available evidence is currently insufficient to determine the role of this variant in disease. Therefore, it has been classified as a Variant of Uncertain Significance.